The following is an entry in ClinVar:

NM_000283.4(PDE6B):c.2292G>A (p.Ala764=)

Gene: PDE6B (phosphodiesterase 6B; plus strand). Cytogenetic location: 4p16.3.
Variant type: single nucleotide variant.
Coding change: c.2292G>A on transcript NM_000283.4 (MANE Select); coding-DNA position 2292, G replaced by A.
Protein change: p.Ala764=; no amino-acid change (alanine 764 retained).
Molecular consequence: synonymous variant.
Genome position (GRCh38, 1-based): chr4:666,554, G>A. VCF-style: chr4-666554-G-A. GRCh37 (hg19) VCF-style: chr4-660343-G-A.
Other names: c.2292G>A, p.Ala764= (NM_001145291.2); c.1455G>A, p.Ala485= (NM_001145292.2, NM_001350154.3, NM_001379246.1 and 1 more transcripts); c.1137G>A, p.Ala379= (NM_001350155.3); c.2292G>A (NM_000283.3).
Identifiers: ClinVar variation 1097150 (VCV001097150.10), dbSNP rs758923888, ClinGen allele CA2794997.

ClinVar aggregate classification (germline): Likely benign. Review status: criteria provided, multiple submitters, no conflicts (2 of 4 stars). 2 submissions from 2 submitters: Likely benign (2). Last evaluated 2025-12-09.

Conditions:
PDE6B-related disorder. Also called: PDE6B-related disease; PDE6B-related condition; PDE6B-related disorders.

Allele frequency attached by ClinVar (database versions not stated): ExAC 0.00002; gnomAD exomes 0.00002; TOPMed 0.00005; gnomAD 0.00007 and 0.00008.
gnomAD v4.1: 39 of 1,612,784 alleles (0.0024%); highest among the groups gnomAD compares: African/African-American, 0.016%; no homozygotes.

Submissions (2):

PreventionGenetics, part of Exact Sciences
Classification: Likely benign for PDE6B-related condition. Last evaluated: 2025-12-09. Review status: criteria provided, single submitter. Criteria: ACMG Guidelines, 2015. Collection method: clinical testing. Allele origin: germline.
Comment: This variant is classified as likely benign based on ACMG/AMP sequence variant interpretation guidelines (Richards et al. 2015 PMID: 25741868, with internal and published modifications).

Labcorp Genetics (formerly Invitae), Labcorp
Classification: Likely benign. Last evaluated: 2025-03-31. Review status: criteria provided, single submitter. Criteria: Invitae Variant Classification Sherloc (09022015). Collection method: clinical testing. Allele origin: germline.